The following is an entry in ClinVar:

ClinVar aggregate classification (germline): Uncertain significance (1 of 4 stars; one submission).

Conditions:
Short-rib thoracic dysplasia 11 with or without polydactyly (SRTD11). Also called: SHORT-RIB THORACIC DYSPLASIA 11 WITHOUT POLYDACTYLY. Identifiers: Orphanet 474, Orphanet 93271, MedGen C3810200, MONDO:0014287, OMIM 615633.

Allele frequency attached by ClinVar (database versions not stated): gnomAD 0.00001; TOPMed 0.00001; ExAC 0.00002.

Submission:

Labcorp Genetics (formerly Invitae), Labcorp
Classification: Uncertain significance for Short-rib thoracic dysplasia 11 with or without polydactyly. Last evaluated: 2022-08-01. Review status: criteria provided, single submitter. Criteria: Invitae Variant Classification Sherloc (09022015). Collection method: clinical testing. Allele origin: germline.
Comment: This sequence change replaces threonine, which is neutral and polar, with methionine, which is neutral and non-polar, at codon 372 of the WDR34 protein (p.Thr372Met). This variant is present in population databases (rs772143102, gnomAD 0.005%). This variant has not been reported in the literature in individuals affected with WDR34-related conditions. Algorithms developed to predict the effect of missense changes on protein structure and function are either unavailable or do not agree on the potential impact of this missense change (SIFT: "Tolerated"; PolyPhen-2: "Possibly Damaging"; Align-GVGD: "Class C0"). In summary, the available evidence is currently insufficient to determine the role of this variant in disease. Therefore, it has been classified as a Variant of Uncertain Significance.

NM_052844.4(DYNC2I2):c.1115C>T (p.Thr372Met)

Genes: DYNC2I2 (dynein 2 intermediate chain 2; minus strand), LOC126860772 (CDK7 strongly-dependent group 2 enhancer GRCh37_chr9:131396972-131398171; plus strand). Cytogenetic location: 9q34.11.
Variant type: single nucleotide variant.
Coding change: c.1115C>T on transcript NM_052844.4 (MANE Select); coding-DNA position 1115, C replaced by T.
Protein change: p.Thr372Met; replaces threonine 372 with methionine.
Molecular consequence: missense variant.
Genome position (GRCh38, 1-based): chr9:128,634,788, G>A on the plus strand (C>T on the coding strand, the complement: DYNC2I2 is on the minus strand). VCF-style: chr9-128634788-G-A. GRCh37 (hg19) VCF-style: chr9-131397067-G-A.
Other names: short protein forms T372M.
Identifiers: ClinVar variation 2202646 (VCV002202646.1), dbSNP rs772143102, ClinGen allele CA5266340.